The following is an entry in ClinVar:

NM_001845.6(COL4A1):c.56A>C (p.His19Pro)

Gene: COL4A1 (collagen type IV alpha 1 chain; minus strand). Cytogenetic location: 13q34.
Variant type: single nucleotide variant.
Coding change: c.56A>C on transcript NM_001845.6 (MANE Select); coding-DNA position 56, A replaced by C.
Protein change: p.His19Pro; replaces histidine 19 with proline.
Molecular consequence: missense variant.
Genome position (GRCh38, 1-based): chr13:110,306,972, T>G on the plus strand (A>C on the coding strand, the complement: COL4A1 is on the minus strand). VCF-style: chr13-110306972-T-G. GRCh37 (hg19) VCF-style: chr13-110959319-T-G.
Other names: c.56A>C, p.His19Pro (NM_001303110.2); short protein forms H19P.
Identifiers: ClinVar variation 3617201 (VCV003617201.2).

ClinVar aggregate classification (germline): Uncertain significance (1 of 4 stars; one submission).

Submission:

Labcorp Genetics (formerly Invitae), Labcorp
Classification: Uncertain significance. Last evaluated: 2024-02-08. Review status: criteria provided, single submitter. Criteria: Invitae Variant Classification Sherloc (09022015). Collection method: clinical testing. Allele origin: germline.
Comment: This sequence change replaces histidine, which is basic and polar, with proline, which is neutral and non-polar, at codon 19 of the COL4A1 protein (p.His19Pro). This variant is not present in population databases (gnomAD no frequency). This variant has not been reported in the literature in individuals affected with COL4A1-related conditions. Advanced modeling of protein sequence and biophysical properties (such as structural, functional, and spatial information, amino acid conservation, physicochemical variation, residue mobility, and thermodynamic stability) performed at Invitae indicates that this missense variant is not expected to disrupt COL4A1 protein function with a negative predictive value of 95%. In summary, the available evidence is currently insufficient to determine the role of this variant in disease. Therefore, it has been classified as a Variant of Uncertain Significance.